The following is an entry in ClinVar:

ClinVar aggregate classification (germline): Likely pathogenic (1 of 4 stars; one submission).

Allele frequency attached by ClinVar (database versions not stated): TOPMed below 0.00001; ExAC 0.00001.
gnomAD v4.1: 2 of 1,612,292 alleles (0.00012%); highest among the groups gnomAD compares: Non-Finnish European, 0.00017%; no homozygotes.

Submission:

CeGaT Center for Human Genetics Tuebingen
Classification: Likely pathogenic. Last evaluated: 2023-06-01. Review status: criteria provided, single submitter. Criteria: CeGaT Center For Human Genetics Tuebingen Variant Classification Criteria Version 2. Collection method: clinical testing. Allele origin: germline. Affected: yes. Observed: 1 variant allele.
Comment: DMXL2: PVS1:Strong, PM2

NM_001378457.1(DMXL2):c.4762C>T (p.Arg1588Ter)

Gene: DMXL2 (Dmx like 2; minus strand). Cytogenetic location: 15q21.2.
Variant type: single nucleotide variant.
Coding change: c.4762C>T on transcript NM_001378457.1 (MANE Select); coding-DNA position 4762, C replaced by T.
Protein change: p.Arg1588Ter; replaces arginine 1588 with a stop codon.
Molecular consequence: nonsense. On other transcripts: non-coding transcript variant (2), intron variant (1).
Genome position (GRCh38, 1-based): chr15:51,495,045, G>A on the plus strand (C>T on the coding strand, the complement: DMXL2 is on the minus strand). VCF-style: chr15-51495045-G-A. GRCh37 (hg19) VCF-style: chr15-51787242-G-A.
Other names: c.4762C>T, p.Arg1588Ter (NM_001174116.3, NM_001378458.1, NM_001378459.1 and 4 more transcripts); c.2854C>T, p.Arg952Ter (NM_001174117.3); c.4522C>T, p.Arg1508Ter (NM_001378464.1); c.2765-3298C>T (NM_001378460.1); short protein forms R1508*, R1588*, R952*.
Identifiers: ClinVar variation 2570903 (VCV002570903.27), dbSNP rs748413058, ClinGen allele CA7561962.
Genomic context (GRCh38, chr15:51,495,045, plus strand): 5'-GTAAAAGTTGTGCAAAGCTTCAAACAGTGAGTGAATTACCTTGATGAAGTAGCTGCACTC[G>A]GTATAAAGGAGGCAGCGATGTCAAAAGGCATGTGTGTAGGCGCATAGCTAACAAGTATCT-3'